The following is an entry in ClinVar:

ClinVar aggregate classification (germline): Uncertain significance (1 of 4 stars; one submission).

Conditions:
Combined malonic and methylmalonic acidemia. Identifiers: Orphanet 289504, MedGen C3280314, MONDO:0013661, OMIM 614265.

Allele frequency attached by ClinVar (database versions not stated): gnomAD 0.00001; ExAC 0.00002; TOPMed 0.00004.

Submission:

Labcorp Genetics (formerly Invitae), Labcorp
Classification: Uncertain significance for Combined malonic and methylmalonic acidemia. Last evaluated: 2021-09-01. Review status: criteria provided, single submitter. Criteria: Invitae Variant Classification Sherloc (09022015). Collection method: clinical testing. Allele origin: germline.
Comment: This sequence change replaces arginine with histidine at codon 74 of the ACSF3 protein (p.Arg74His). The arginine residue is weakly conserved and there is a small physicochemical difference between arginine and histidine. This variant is present in population databases (rs750707295, ExAC 0.009%). This variant has not been reported in the literature in individuals affected with ACSF3-related conditions. Algorithms developed to predict the effect of missense changes on protein structure and function output the following: SIFT: "Tolerated"; PolyPhen-2: "Benign"; Align-GVGD: "Class C0". The histidine amino acid residue is found in multiple mammalian species, which suggests that this missense change does not adversely affect protein function. In summary, the available evidence is currently insufficient to determine the role of this variant in disease. Therefore, it has been classified as a Variant of Uncertain Significance.

NM_001243279.3(ACSF3):c.221G>A (p.Arg74His)

Gene: ACSF3 (acyl-CoA synthetase family member 3; plus strand). Cytogenetic location: 16q24.3.
Variant type: single nucleotide variant.
Coding change: c.221G>A on transcript NM_001243279.3 (MANE Select); coding-DNA position 221, G replaced by A.
Protein change: p.Arg74His; replaces arginine 74 with histidine.
Molecular consequence: missense variant. On other transcripts: non-coding transcript variant (3), intron variant (1).
Genome position (GRCh38, 1-based): chr16:89,100,902, G>A. VCF-style: chr16-89100902-G-A. GRCh37 (hg19) VCF-style: chr16-89167310-G-A.
Other names: c.221G>A, p.Arg74His (NM_001127214.4, NM_174917.5); c.-129-1702G>A (NM_001284316.2); short protein forms R74H.
Identifiers: ClinVar variation 1492746 (VCV001492746.5), dbSNP rs750707295, ClinGen allele CA8237579.